The following is an entry in ClinVar:

NM_007175.8(ERLIN2):c.684del (p.Tyr229fs)

Gene: ERLIN2 (ER lipid raft associated 2; plus strand). Cytogenetic location: 8p11.23.
Variant type: Deletion.
Coding change: c.684del on transcript NM_007175.8 (MANE Select); coding-DNA position 684, one base deleted (C; older notation c.684delC).
Protein change: p.Tyr229fs; shifts the reading frame from tyrosine 229.
Molecular consequence: frameshift variant.
Genome position (GRCh38, 1-based): chr8:37,751,660, C deleted; the last of 2 consecutive C bases (chr8:37,751,659-37,751,660); deleting either gives the same sequence. VCF-style (leftmost placement, unchanged base first): chr8-37751658-AC-A. GRCh37 (hg19) VCF-style: chr8-37609176-AC-A.
Other names: c.684del, p.Tyr229fs (NM_001362878.2); short protein forms Y229fs.
Identifiers: ClinVar variation 4806226 (VCV004806226.1).

ClinVar aggregate classification (germline): Pathogenic (1 of 4 stars; one submission).

Conditions:
Spastic paraplegia. Identifiers: MedGen C0037772, HP:0001258.

Submission:

Labcorp Genetics (formerly Invitae), Labcorp
Classification: Pathogenic for Spastic paraplegia. Last evaluated: 2025-02-08. Review status: criteria provided, single submitter. Criteria: Invitae Variant Classification Sherloc (09022015). Collection method: clinical testing. Allele origin: germline.
Comment: This sequence change creates a premature translational stop signal (p.Tyr229Thrfs*5) in the ERLIN2 gene. It is expected to result in an absent or disrupted protein product. Loss-of-function variants in ERLIN2 are known to be pathogenic (PMID: 21330303, 23109145, 24482476, 27824013). This variant is not present in population databases (gnomAD no frequency). This variant has not been reported in the literature in individuals affected with ERLIN2-related conditions. For these reasons, this variant has been classified as Pathogenic.

Literature cited by the submitters: PubMed 21330303; PubMed 23109145; PubMed 24482476; PubMed 27824013.